The following is an entry in ClinVar:

NM_002470.4(MYH3):c.5797-10T>G

Gene: MYH3 (myosin heavy chain 3; minus strand). Cytogenetic location: 17p13.1.
Variant type: single nucleotide variant.
Coding change: c.5797-10T>G on transcript NM_002470.4 (MANE Select); 10 bases into the intron before coding-DNA position 5797, T replaced by G.
Molecular consequence: intron variant.
Genome position (GRCh38, 1-based): chr17:10,628,689, A>C on the plus strand (T>G on the coding strand, the complement: MYH3 is on the minus strand). VCF-style: chr17-10628689-A-C. GRCh37 (hg19) VCF-style: chr17-10532006-A-C.
Identifiers: ClinVar variation 4712669 (VCV004712669.1).
Genomic context (GRCh38, chr17:10,628,689, plus strand): 5'-CTGTCCTGCTCCAGAAGGGCTGGCTCACTCTTCACTCTCGTGGACCACCATCTAGGAAGA[A>C]AGTAGGCACCTGGAGTCAAGTCGGGTGGCAGAGACACATTCCCACCCACCACTTCTGCCG-3'

ClinVar aggregate classification (germline): Uncertain significance (1 of 4 stars; one submission).

Submission:

Labcorp Genetics (formerly Invitae), Labcorp
Classification: Uncertain significance. Last evaluated: 2025-02-16. Review status: criteria provided, single submitter. Criteria: Invitae Variant Classification Sherloc (09022015). Collection method: clinical testing. Allele origin: germline.
Comment: This sequence change falls in intron 40 of the MYH3 gene. It does not directly change the encoded amino acid sequence of the MYH3 protein. This variant is not present in population databases (gnomAD no frequency). This variant has not been reported in the literature in individuals affected with MYH3-related conditions. Algorithms developed to predict the effect of sequence changes on RNA splicing suggest that this variant may disrupt the consensus splice site. In summary, the available evidence is currently insufficient to determine the role of this variant in disease. Therefore, it has been classified as a Variant of Uncertain Significance.